The following is an entry in ClinVar:

NM_000036.3(AMPD1):c.773C>T (p.Thr258Ile)

Gene: AMPD1 (adenosine monophosphate deaminase 1; minus strand). Cytogenetic location: 1p13.2.
Variant type: single nucleotide variant.
Coding change: c.773C>T on transcript NM_000036.3 (MANE Select); coding-DNA position 773, C replaced by T.
Protein change: p.Thr258Ile; replaces threonine 258 with isoleucine.
Molecular consequence: missense variant.
Genome position (GRCh38, 1-based): chr1:114,679,703, G>A on the plus strand (C>T on the coding strand, the complement: AMPD1 is on the minus strand). VCF-style: chr1-114679703-G-A. GRCh37 (hg19) VCF-style: chr1-115222324-G-A.
Other names: c.761C>T, p.Thr254Ile (NM_001172626.2); short protein forms T254I, T258I.
Identifiers: ClinVar variation 1413821 (VCV001413821.5), dbSNP rs1161639285, ClinGen allele CA341750245.
Genomic context (GRCh38, chr1:114,679,703, plus strand): 5'-TTAAGCATCTGATGGACCTGGAACTTGGAGGAGAGGAACTTCAGGCGCCGGTGGGTATAG[G>A]TCTTACTGTGAAAAATAAAATCACATAATTCCAAAAAGTTTCAGGCATTCAAGAAAAACA-3'
Protein context (NP_000027.3, residues 248-268): LALIAQGPVK[Thr258Ile]YTHRRLKFLS

ClinVar aggregate classification (germline): Uncertain significance (1 of 4 stars; one submission).

Conditions:
Muscle AMP deaminase deficiency (MMDD). Also called: Adenosine monophosphate deaminase 1 deficiency; AMP deaminase 1 deficiency; Adenosine Monophosphate Deaminase 1; AMPD1 DEFICIENCY; ADENOSINE MONOPHOSPHATE DEAMINASE-1 DEFICIENCY, MYOPATHY DUE TO; Myoadenylate deaminase deficiency, myopathy due to. Identifiers: Orphanet 45, MedGen C3714933, MONDO:0014220, OMIM 615511.

gnomAD v4.1: 3 of 1,613,896 alleles (0.00019%); highest among the groups gnomAD compares: Non-Finnish European, 0.00025%; no homozygotes.

Submission:

Labcorp Genetics (formerly Invitae), Labcorp
Classification: Uncertain significance for Muscle AMP deaminase deficiency. Last evaluated: 2021-09-01. Review status: criteria provided, single submitter. Criteria: Invitae Variant Classification Sherloc (09022015). Collection method: clinical testing. Allele origin: germline.
Comment: This sequence change replaces threonine with isoleucine at codon 291 of the AMPD1 protein (p.Thr291Ile). The threonine residue is moderately conserved and there is a moderate physicochemical difference between threonine and isoleucine. This variant is not present in population databases (ExAC no frequency). This variant has not been reported in the literature in individuals affected with AMPD1-related conditions. Algorithms developed to predict the effect of missense changes on protein structure and function are either unavailable or do not agree on the potential impact of this missense change (SIFT: "Deleterious"; PolyPhen-2: "Probably Damaging"; Align-GVGD: "Class C15"). In summary, the available evidence is currently insufficient to determine the role of this variant in disease. Therefore, it has been classified as a Variant of Uncertain Significance.